The following is an entry in ClinVar:

NM_005859.5(PURA):c.779C>T (p.Pro260Leu)

Gene: PURA (purine rich element binding protein A; plus strand). Cytogenetic location: 5q31.3.
Variant type: single nucleotide variant.
Coding change: c.779C>T on transcript NM_005859.5 (MANE Select); coding-DNA position 779, C replaced by T.
Protein change: p.Pro260Leu; replaces proline 260 with leucine.
Molecular consequence: missense variant.
Genome position (GRCh38, 1-based): chr5:140,114,960, C>T. VCF-style: chr5-140114960-C-T. GRCh37 (hg19) VCF-style: chr5-139494545-C-T.
Other names: short protein forms P260L.
Identifiers: ClinVar variation 422115 (VCV000422115.12), dbSNP rs1064795567, ClinGen allele CA16618130.

ClinVar aggregate classification (germline): Conflicting classifications of pathogenicity. Review status: criteria provided, conflicting classifications (1 of 4 stars). 2 submissions from 2 submitters: Pathogenic (1); Uncertain significance (1). Last evaluated 2024-12-11.

Conditions:
PURA-related severe neonatal hypotonia-seizures-encephalopathy syndrome (NEDRIHF). Also called: NEURODEVELOPMENTAL DISORDER WITH NEONATAL RESPIRATORY INSUFFICIENCY, HYPOTONIA, AND FEEDING DIFFICULTIES; PURA-Related Neurodevelopmental Disorders. Identifiers: Orphanet 438213, Orphanet 438216, MedGen C4015357, MONDO:1060108, OMIM 616158, MONDO:0018580.

Submissions (2):

GeneDx
Classification: Pathogenic. Last evaluated: 2024-12-11. Review status: criteria provided, single submitter. Criteria: GeneDx Variant Classification Process June 2021. Collection method: clinical testing. Allele origin: germline. Affected: yes.
Comment: Not observed at significant frequency in large population cohorts (gnomAD); In silico analysis supports that this missense variant has a deleterious effect on protein structure/function; This variant is associated with the following publications: (PMID: 35982159, 33057194)

Labcorp Genetics (formerly Invitae), Labcorp
Classification: Uncertain significance for PURA-related severe neonatal hypotonia-seizures-encephalopathy syndrome. Last evaluated: 2020-04-24. Review status: criteria provided, single submitter. Criteria: Invitae Variant Classification Sherloc (09022015). Collection method: clinical testing. Allele origin: germline.
Comment: This variant has not been reported in the literature in individuals with PURA-related conditions. ClinVar contains an entry for this variant (Variation ID: 422115). This sequence change replaces proline with leucine at codon 260 of the PURA protein (p.Pro260Leu). The proline residue is highly conserved and there is a moderate physicochemical difference between proline and leucine. This variant is not present in population databases (ExAC no frequency). Algorithms developed to predict the effect of missense changes on protein structure and function (SIFT, PolyPhen-2, Align-GVGD) all suggest that this variant is likely to be disruptive, but these predictions have not been confirmed by published functional studies and their clinical significance is uncertain. In summary, the available evidence is currently insufficient to determine the role of this variant in disease. Therefore, it has been classified as a Variant of Uncertain Significance.